The following is an entry in ClinVar:

ClinVar aggregate classification (germline): Uncertain significance (1 of 4 stars; one submission).

Submission:

Labcorp Genetics (formerly Invitae), Labcorp
Classification: Uncertain significance. Last evaluated: 2022-11-29. Review status: criteria provided, single submitter. Criteria: Invitae Variant Classification Sherloc (09022015). Collection method: clinical testing. Allele origin: germline.
Comment: In summary, the available evidence is currently insufficient to determine the role of this variant in disease. Therefore, it has been classified as a Variant of Uncertain Significance. Advanced modeling of protein sequence and biophysical properties (such as structural, functional, and spatial information, amino acid conservation, physicochemical variation, residue mobility, and thermodynamic stability) performed at Invitae indicates that this missense variant is expected to disrupt USH2A protein function. This variant has not been reported in the literature in individuals affected with USH2A-related conditions. This variant is not present in population databases (gnomAD no frequency). This sequence change replaces cysteine, which is neutral and slightly polar, with arginine, which is basic and polar, at codon 4813 of the USH2A protein (p.Cys4813Arg).

NM_206933.4(USH2A):c.14437T>C (p.Cys4813Arg)

Gene: USH2A (usherin; minus strand). Cytogenetic location: 1q41.
Variant type: single nucleotide variant.
Coding change: c.14437T>C on transcript NM_206933.4 (MANE Select); coding-DNA position 14437, T replaced by C.
Protein change: p.Cys4813Arg; replaces cysteine 4813 with arginine.
Molecular consequence: missense variant.
Genome position (GRCh38, 1-based): chr1:215,648,673, A>G on the plus strand (T>C on the coding strand, the complement: USH2A is on the minus strand). VCF-style: chr1-215648673-A-G. GRCh37 (hg19) VCF-style: chr1-215822015-A-G.
Other names: short protein forms C4813R.
Identifiers: ClinVar variation 1714809 (VCV001714809.5), dbSNP rs2464816002, ClinGen allele CA344833798.
Genomic context (GRCh38, chr1:215,648,673, plus strand): 5'-ACAGTCCTGAGGGTGGGGCAGGATGGGTTCTCAGTTCAGCTGTCGGTCCTTTGCTGCAAC[A>G]GTTGAAGCAGGTGCAGGCCTCTACTCCAATAGAGTAGTTAGTGAAGGCTTGAAGGCCATG-3'
Protein context (NP_996816.3, residues 4803-4823): IGVEACTCFN[Cys4813Arg]CSKGPTAELR